The following is an entry in ClinVar:

ClinVar aggregate classification (germline): Likely benign (0 of 4 stars; one submission).

Conditions:
GATB-related disorder. Also called: GATB-related condition.

Allele frequency attached by ClinVar (database versions not stated): ExAC 0.00033; 1000 Genomes Project 30x 0.00078; ESP Exome Variant Server 0.00085; gnomAD 0.00098; 1000 Genomes Project 0.00100; TOPMed 0.00113.
gnomAD v4.1: 293 of 1,609,204 alleles (0.018%); highest among the groups gnomAD compares: African/African-American, 0.31%; 1 homozygote.

Submission:

PreventionGenetics, part of Exact Sciences
Classification: Likely benign for GATB-related condition. Last evaluated: 2023-01-05. Review status: no assertion criteria provided. Collection method: clinical testing. Allele origin: germline.
Comment: This variant is classified as likely benign based on ACMG/AMP sequence variant interpretation guidelines (Richards et al. 2015 PMID: 25741868, with internal and published modifications).

NM_004564.3(GATB):c.287T>C (p.Leu96Ser)

Gene: GATB (glutamyl-tRNA amidotransferase subunit B; minus strand). Cytogenetic location: 4q31.3.
Variant type: single nucleotide variant.
Coding change: c.287T>C on transcript NM_004564.3 (MANE Select); coding-DNA position 287, T replaced by C.
Protein change: p.Leu96Ser; replaces leucine 96 with serine.
Molecular consequence: missense variant.
Genome position (GRCh38, 1-based): chr4:151,758,812, A>G on the plus strand (T>C on the coding strand, the complement: GATB is on the minus strand). VCF-style: chr4-151758812-A-G. GRCh37 (hg19) VCF-style: chr4-152679964-A-G.
Other names: c.287T>C, p.Leu96Ser (NM_001363341.2); short protein forms L96S.
Identifiers: ClinVar variation 3047167 (VCV003047167.2), dbSNP rs149849085, ClinGen allele CA3105959.